The following is an entry in ClinVar:

NM_002979.5(SCP2):c.1003G>T (p.Asp335Tyr)

Gene: SCP2 (sterol carrier protein 2; plus strand). Cytogenetic location: 1p32.3.
Variant type: single nucleotide variant.
Coding change: c.1003G>T on transcript NM_002979.5 (MANE Select); coding-DNA position 1003, G replaced by T.
Protein change: p.Asp335Tyr; replaces aspartic acid 335 with tyrosine.
Molecular consequence: missense variant.
Genome position (GRCh38, 1-based): chr1:52,988,058, G>T. VCF-style: chr1-52988058-G-T. GRCh37 (hg19) VCF-style: chr1-53453730-G-T.
Other names: c.871G>T, p.Asp291Tyr (NM_001007098.3, NM_001193600.2); c.931G>T, p.Asp311Tyr (NM_001193599.2); c.760G>T, p.Asp254Tyr (NM_001193617.2); c.1003G>T, p.Asp335Tyr (NM_001330587.2); c.1003G>T (NM_002979.4); short protein forms D291Y, D254Y, D311Y, D335Y.
Identifiers: ClinVar variation 1498490 (VCV001498490.8), dbSNP rs2150186568, ClinGen allele CA340383333.

ClinVar aggregate classification (germline): Uncertain significance. Review status: criteria provided, multiple submitters, no conflicts (2 of 4 stars). 2 submissions from 2 submitters: Uncertain significance (2). Last evaluated 2025-01-22.

Conditions:
SCP2-related disorder. Also called: SCP2-related condition.

Submissions (2):

PreventionGenetics, part of Exact Sciences
Classification: Uncertain significance for SCP2-related condition. Last evaluated: 2025-01-22. Review status: criteria provided, single submitter. Criteria: ACMG Guidelines, 2015. Collection method: clinical testing. Allele origin: germline.
Comment: The SCP2 c.1003G>T variant is predicted to result in the amino acid substitution p.Asp335Tyr. To our knowledge, this variant has not been reported in the literature or in a large population database (gnomAD), indicating this variant is rare. At this time, the clinical significance of this variant is uncertain due to the absence of conclusive functional and genetic evidence.

Labcorp Genetics (formerly Invitae), Labcorp
Classification: Uncertain significance. Last evaluated: 2021-06-29. Review status: criteria provided, single submitter. Criteria: Invitae Variant Classification Sherloc (09022015). Collection method: clinical testing. Allele origin: germline.
Comment: In summary, the available evidence is currently insufficient to determine the role of this variant in disease. Therefore, it has been classified as a Variant of Uncertain Significance. Algorithms developed to predict the effect of missense changes on protein structure and function (SIFT, PolyPhen-2, Align-GVGD) all suggest that this variant is likely to be disruptive. This variant has not been reported in the literature in individuals affected with SCP2-related conditions. This variant is not present in population databases (ExAC no frequency). This sequence change replaces aspartic acid with tyrosine at codon 335 of the SCP2 protein (p.Asp335Tyr). The aspartic acid residue is highly conserved and there is a large physicochemical difference between aspartic acid and tyrosine.